The following is an entry in ClinVar:

NM_001035.3(RYR2):c.4730A>G (p.Asn1577Ser)

Gene: RYR2 (ryanodine receptor 2; plus strand). Cytogenetic location: 1q43.
Variant type: single nucleotide variant.
Coding change: c.4730A>G on transcript NM_001035.3 (MANE Select); coding-DNA position 4730, A replaced by G.
Protein change: p.Asn1577Ser; replaces asparagine 1577 with serine.
Molecular consequence: missense variant.
Genome position (GRCh38, 1-based): chr1:237,610,808, A>G. VCF-style: chr1-237610808-A-G. GRCh37 (hg19) VCF-style: chr1-237774108-A-G.
Other names: short protein forms N1577S.
Identifiers: ClinVar variation 4757198 (VCV004757198.1).

ClinVar aggregate classification (germline): Uncertain significance (1 of 4 stars; one submission).

Conditions:
Cardiomyopathy (CMYO). Also called: Cardiomyopathies. Identifiers: Orphanet 167848, MedGen C0878544, MONDO:0004994, HP:0001638. Inheritance: Various modes of inheritance.

Submission:

Color Diagnostics, LLC DBA Color Health
Classification: Uncertain significance for Cardiomyopathy. Last evaluated: 2025-06-23. Review status: criteria provided, single submitter. Criteria: ACMG Guidelines, 2015. Collection method: clinical testing. Allele origin: germline.
Comment: This missense variant replaces asparagine with serine at codon 1577 of the RYR2 protein. Computational prediction is inconclusive regarding the impact of this variant on protein structure and function. To our knowledge, functional studies have not been reported for this variant. This variant has not been reported in individuals affected with RYR2-related disorders in the literature. This variant has not been identified in the general population by the Genome Aggregation Database (gnomAD). The available evidence is insufficient to determine the role of this variant in disease conclusively. Therefore, this variant is classified as a Variant of Uncertain Significance.